The following is an entry in ClinVar:

NM_014714.4(IFT140):c.4319G>A (p.Arg1440His)

Gene: IFT140 (intraflagellar transport 140; minus strand). Cytogenetic location: 16p13.3.
Variant type: single nucleotide variant.
Coding change: c.4319G>A on transcript NM_014714.4 (MANE Select); coding-DNA position 4319, G replaced by A.
Protein change: p.Arg1440His; replaces arginine 1440 with histidine.
Molecular consequence: missense variant.
Genome position (GRCh38, 1-based): chr16:1,511,014, C>T on the plus strand (G>A on the coding strand, the complement: IFT140 is on the minus strand). VCF-style: chr16-1511014-C-T. GRCh37 (hg19) VCF-style: chr16-1561015-C-T.
Other names: short protein forms R1440H.
Identifiers: ClinVar variation 1130106 (VCV001130106.12), dbSNP rs34813273, ClinGen allele CA7812784.

ClinVar aggregate classification (germline): Benign/Likely benign. Review status: criteria provided, multiple submitters, no conflicts (2 of 4 stars). 5 submissions from 5 submitters: Benign (1); Likely benign (3). 1 of the submissions does not count toward it. Last evaluated 2026-01-25.

Conditions:
IFT140-related disorder. Also called: IFT140-related condition.
Inborn genetic diseases. Identifiers: MedGen C0950123, MeSH D030342.
Saldino-Mainzer syndrome (SRTD9). Also called: CONORENAL SYNDROME; short-rib thoracic dysplasia 9 with or without polydactyly; Renal dysplasia, retinal pigmentary dystrophy, cerebellar ataxia and skeletal dysplasia; SHORT-RIB THORACIC DYSPLASIA 9 WITHOUT POLYDACTYLY. Identifiers: Orphanet 140969, MedGen C1849437, MONDO:0009964, OMIM 266920.

Allele frequency attached by ClinVar (database versions not stated): 1000 Genomes Project 30x 0.00016; 1000 Genomes Project 0.00020; ExAC 0.00030; gnomAD 0.00078 and 0.00086; TOPMed 0.00090; ESP Exome Variant Server 0.00115.
gnomAD v4.1: 233 of 1,607,344 alleles (0.014%); highest among the groups gnomAD compares: African/African-American, 0.25%; 2 homozygotes.

Submissions (5):

Labcorp Genetics (formerly Invitae), Labcorp
Classification: Likely benign for Saldino-Mainzer syndrome. Last evaluated: 2026-01-25. Review status: criteria provided, single submitter. Criteria: Invitae Variant Classification Sherloc (09022015). Collection method: clinical testing. Allele origin: germline.

Ambry Genetics
Classification: Likely benign for Inborn genetic diseases. Last evaluated: 2025-04-25. Review status: criteria provided, single submitter. Criteria: Ambry Variant Classification Scheme 2023. Collection method: clinical testing. Allele origin: germline.

Blueprint Genetics
Classification: Likely benign. Last evaluated: 2023-09-18. Review status: criteria provided, single submitter. Criteria: ACMG Guidelines, 2015. Collection method: clinical testing. Allele origin: germline.

Women's Health and Genetics/Laboratory Corporation of America, LabCorp
Classification: Benign. Last evaluated: 2022-06-15. Review status: criteria provided, single submitter. Criteria: LabCorp Variant Classification Summary - May 2015. Collection method: clinical testing. Allele origin: germline.
Comment: Variant summary: IFT140 c.4319G>A (p.Arg1440His) results in a non-conservative amino acid change in the encoded protein sequence. Four of five in-silico tools predict a benign effect of the variant on protein function. The variant allele was found at a frequency of 0.00032 in 271912 control chromosomes (gnomAD), predominantly at a frequency of 0.0032 within the African or African-American subpopulation in the gnomAD database. The observed variant frequency within African or African-American control individuals in the gnomAD database is approximately 5 fold of the estimated maximal expected allele frequency for a pathogenic variant in IFT140 causing Retinitis Pigmentosa phenotype (0.00063), strongly suggesting that the variant is a benign polymorphism found primarily in populations of African or African-American origin. To our knowledge, no occurrence of c.4319G>A in individuals affected with Retinitis Pigmentosa and no experimental evidence demonstrating its impact on protein function have been reported. One ClinVar submitter has assessed the variant since 2014: the variant was classified as likely benign. Based on the evidence outlined above, the variant was classified as benign.

PreventionGenetics, part of Exact Sciences
Classification: Likely benign for IFT140-related condition. Last evaluated: 2024-03-07. Review status: no assertion criteria provided. Collection method: clinical testing. Allele origin: germline. Not counted in ClinVar's aggregate classification.
Comment: This variant is classified as likely benign based on ACMG/AMP sequence variant interpretation guidelines (Richards et al. 2015 PMID: 25741868, with internal and published modifications).